The following is an entry in ClinVar:

NM_000548.5(TSC2):c.5024C>G (p.Pro1675Arg)

Gene: TSC2 (TSC complex subunit 2; plus strand). Cytogenetic location: 16p13.3.
Variant type: single nucleotide variant.
Coding change: c.5024C>G on transcript NM_000548.5 (MANE Select); coding-DNA position 5024, C replaced by G.
Protein change: p.Pro1675Arg; replaces proline 1675 with arginine.
Molecular consequence: missense variant.
Genome position (GRCh38, 1-based): chr16:2,087,897, C>G. VCF-style: chr16-2087897-C-G. GRCh37 (hg19) VCF-style: chr16-2137898-C-G.
Other names: c.4823C>G, p.Pro1608Arg (NM_001077183.3); c.4955C>G, p.Pro1652Arg (NM_001114382.3); c.4715C>G, p.Pro1572Arg (NM_001318827.2); c.4679C>G, p.Pro1560Arg (NM_001318829.2); c.4292C>G, p.Pro1431Arg (NM_001318831.2); c.4856C>G, p.Pro1619Arg (NM_001318832.2); c.4826C>G, p.Pro1609Arg (NM_001363528.2); c.4892C>G, p.Pro1631Arg (NM_001370404.1); and 1 more; short protein forms P1431R, P1560R, P1572R, P1608R, P1609R, P1619R, P1631R, P1632R.
Identifiers: ClinVar variation 1697094 (VCV001697094.9), dbSNP rs45483392, ClinGen allele CA394311261.
Genomic context (GRCh38, chr16:2,087,897, plus strand): 5'-GATGACCCTTTCTCTTGTCCGGGCAGGGCCAGTTCAACTTTGTCCACGTGATCGTCACCC[C>G]GCTGGACTACGAGTGCAACCTGGTGTCCCTGCAGTGCAGGAAAGGTAGGGCCGGGTGGGG-3'
Protein context (NP_000539.2, residues 1665-1685): QFNFVHVIVT[Pro1675Arg]LDYECNLVSL

ClinVar aggregate classification (germline): Pathogenic/Likely pathogenic. Review status: criteria provided, multiple submitters, no conflicts (2 of 4 stars). 5 submissions from 5 submitters: Pathogenic (2); Likely pathogenic (3). Last evaluated 2026-05-07.

Conditions:
Tuberous sclerosis 2 (TSC2). Identifiers: Orphanet 805, MedGen C1860707, MONDO:0013199, OMIM 613254.
TSC2-related disorder. Also called: TSC2-related condition; TSC2-Related Disorders.
Hereditary cancer-predisposing syndrome. Also called: Hereditary neoplastic syndrome; Hereditary Cancer Syndrome; Tumor predisposition; Neoplastic Syndromes, Hereditary. Identifiers: Orphanet 140162, MedGen C0027672, MeSH D009386, MONDO:0015356.

Submissions (5):

Ambry Genetics
Classification: Pathogenic for Hereditary cancer-predisposing syndrome. Last evaluated: 2026-05-07. Review status: criteria provided, single submitter. Criteria: Ambry Variant Classification Scheme 2023. Collection method: clinical testing. Allele origin: germline.
Comment: The p.P1675R pathogenic mutation (also known as c.5024C>G), located in coding exon 38 of the TSC2 gene, results from a C to G substitution at nucleotide position 5024. The proline at codon 1675 is replaced by arginine, an amino acid with dissimilar properties. This variant was reported in individual(s) with features consistent with tuberous sclerosis complex (Blasco-P&eacute;rez L et al. J Mol Diagn, 2023 Sep;25:692-701). Based on internal structural analysis, this variant is more disruptive than known pathogenic variants (Ambry internal data). Other variant(s) at the same codon, p.P1675L (c.5024C>T) have been identified in individual(s) with features consistent with tuberous sclerosis complex (Ambry internal data). This amino acid position is highly conserved in available vertebrate species. In addition, this alteration is predicted to be deleterious by in silico analysis. This variant is considered to be rare based on population cohorts in the Genome Aggregation Database (gnomAD). Based on the supporting evidence, this variant is interpreted as a disease-causing mutation.

GeneDx
Classification: Likely pathogenic. Last evaluated: 2024-06-29. Review status: criteria provided, single submitter. Criteria: GeneDx Variant Classification Process June 2021. Collection method: clinical testing. Allele origin: germline. Affected: yes.
Comment: Not observed at significant frequency in large population cohorts (gnomAD); In silico analysis supports that this missense variant has a deleterious effect on protein structure/function; This variant is associated with the following publications: (PMID: 18466115, 37356622, 33727259)

Labcorp Genetics (formerly Invitae), Labcorp
Classification: Pathogenic for Tuberous sclerosis 2. Last evaluated: 2023-09-05. Review status: criteria provided, single submitter. Criteria: Invitae Variant Classification Sherloc (09022015). Collection method: clinical testing. Allele origin: germline.
Comment: For these reasons, this variant has been classified as Pathogenic. This sequence change replaces proline, which is neutral and non-polar, with arginine, which is basic and polar, at codon 1675 of the TSC2 protein (p.Pro1675Arg). This variant is not present in population databases (gnomAD no frequency). This missense change has been observed in individual(s) with tuberous sclerosis complex (Invitae). In at least one individual the variant was observed to be de novo. ClinVar contains an entry for this variant (Variation ID: 1697094). Advanced modeling of protein sequence and biophysical properties (such as structural, functional, and spatial information, amino acid conservation, physicochemical variation, residue mobility, and thermodynamic stability) performed at Invitae indicates that this missense variant is expected to disrupt TSC2 protein function. This variant disrupts the p.Pro1675 amino acid residue in TSC2. Other variant(s) that disrupt this residue have been determined to be pathogenic (PMID: 9302281, 10570911, 11112665, 22867869). This suggests that this residue is clinically significant, and that variants that disrupt this residue are likely to be disease-causing.

Blueprint Genetics
Classification: Likely pathogenic for TSC2-related disorders. Last evaluated: 2020-12-29. Review status: criteria provided, single submitter. Criteria: ACMG Guidelines, 2015. Collection method: clinical testing. Allele origin: germline. Affected: yes. Observed: 1 variant allele.

Juno Genomics, Hangzhou Juno Genomics, Inc
Classification: Likely pathogenic for Tuberous sclerosis 2. Review status: criteria provided, single submitter. Criteria: ACMG Guidelines, 2015. Collection method: clinical testing. Allele origin: germline. Affected: yes.
Comment: Absent from controls (or at extremely low frequency if recessive) in Genome Aggregation Database, Exome Sequencing Project, 1000 Genomes Project, or Exome Aggregation Consortium.;De novo (both maternity and paternity confirmed) in a patient with the disease and no family history.;Novel missense change at an amino acid residue where a different missense change determined to be pathogenic has been seen before.;Multiple lines of computational evidence support a deleterious effect on the gene or gene product (conservation, evolutionary, splicing impact, etc).;The prevalence of the variant in affected individuals is significantly increased compared to the prevalence in controls.;Patient's phenotype or family history is highly specific for a disease with a single genetic etiology.

Literature cited by the submitters: PubMed 37356622 (cited by Ambry Genetics); PubMed 9302281 (cited by Labcorp Genetics (formerly Invitae), Labcorp); PubMed 10570911 (cited by Labcorp Genetics (formerly Invitae), Labcorp); PubMed 11112665 (cited by Labcorp Genetics (formerly Invitae), Labcorp); PubMed 22867869 (cited by Labcorp Genetics (formerly Invitae), Labcorp).